The following is an entry in ClinVar:

ClinVar aggregate classification (germline): Uncertain significance (1 of 4 stars; one submission).

Conditions:
Spastic paraplegia. Identifiers: MedGen C0037772, HP:0001258.

gnomAD v4.1: 1 of 1,613,956 alleles (0.000062%); no homozygotes.

Submission:

Labcorp Genetics (formerly Invitae), Labcorp
Classification: Uncertain significance for Spastic paraplegia. Last evaluated: 2021-08-24. Review status: criteria provided, single submitter. Criteria: Invitae Variant Classification Sherloc (09022015). Collection method: clinical testing. Allele origin: germline.
Comment: This sequence change replaces asparagine with serine at codon 4081 of the SACS protein (p.Asn4081Ser). The asparagine residue is moderately conserved and there is a small physicochemical difference between asparagine and serine. This variant is not present in population databases (ExAC no frequency). This variant has not been reported in the literature in individuals affected with SACS-related conditions. Algorithms developed to predict the effect of missense changes on protein structure and function (SIFT, PolyPhen-2, Align-GVGD) all suggest that this variant is likely to be tolerated. In summary, the available evidence is currently insufficient to determine the role of this variant in disease. Therefore, it has been classified as a Variant of Uncertain Significance.

NM_014363.6(SACS):c.12242A>G (p.Asn4081Ser)

Gene: SACS (sacsin molecular chaperone; minus strand). Cytogenetic location: 13q12.12.
Variant type: single nucleotide variant.
Coding change: c.12242A>G on transcript NM_014363.6 (MANE Select); coding-DNA position 12242, A replaced by G.
Protein change: p.Asn4081Ser; replaces asparagine 4081 with serine.
Molecular consequence: missense variant.
Genome position (GRCh38, 1-based): chr13:23,331,634, T>C on the plus strand (A>G on the coding strand, the complement: SACS is on the minus strand). VCF-style: chr13-23331634-T-C. GRCh37 (hg19) VCF-style: chr13-23905773-T-C.
Other names: c.11801A>G, p.Asn3934Ser (NM_001278055.2); short protein forms N4081S, N3934S.
Identifiers: ClinVar variation 411692 (VCV000411692.6), dbSNP rs1060503432, ClinGen allele CA16613789.